The following is an entry in ClinVar:

ClinVar aggregate classification (germline): Likely pathogenic (1 of 4 stars; one submission).

Conditions:
Autosomal recessive nonsyndromic hearing loss 84B. Also called: Deafness, autosomal recessive 84b. Identifiers: Orphanet 90636, MedGen C3554159, MONDO:0013984, OMIM 614944.

Submission:

Juno Genomics, Hangzhou Juno Genomics, Inc
Classification: Likely pathogenic for Autosomal recessive nonsyndromic hearing loss 84B. Review status: criteria provided, single submitter. Criteria: ACMG Guidelines, 2015. Collection method: clinical testing. Allele origin: germline.
Comment: Null variant in a gene where loss of function (LOF) is a known mechanism of disease.;Absent from controls (or at extremely low frequency if recessive) in Genome Aggregation Database.

NM_001378609.3(OTOGL):c.2390+1G>A

Gene: OTOGL (otogelin like; plus strand). Cytogenetic location: 12q21.31.
Variant type: single nucleotide variant.
Coding change: c.2390+1G>A on transcript NM_001378609.3 (MANE Select); the canonical splice donor site of the intron after coding-DNA position 2390, G replaced by A.
Molecular consequence: splice donor variant.
Genome position (GRCh38, 1-based): chr12:80,266,617, G>A. VCF-style: chr12-80266617-G-A. GRCh37 (hg19) VCF-style: chr12-80660397-G-A.
Other names: c.2390+1G>A (NM_001368062.3, NM_001378610.3, NM_173591.7).
Identifiers: ClinVar variation 5005162 (VCV005005162.2).